The following is an entry in ClinVar:

ClinVar aggregate classification (germline): Uncertain significance (1 of 4 stars; one submission).

Submission:

Labcorp Genetics (formerly Invitae), Labcorp
Classification: Uncertain significance. Last evaluated: 2025-07-07. Review status: criteria provided, single submitter. Criteria: Invitae Variant Classification Sherloc (09022015). Collection method: clinical testing. Allele origin: germline.
Comment: This sequence change falls in intron 4 of the ADIPOR1 gene. It does not directly change the encoded amino acid sequence of the ADIPOR1 protein. It affects a nucleotide within the consensus splice site. This variant is not present in population databases (gnomAD no frequency). This variant has not been reported in the literature in individuals affected with ADIPOR1-related conditions. ClinVar contains an entry for this variant (Variation ID: 1386020). Variants that disrupt the consensus splice site are a relatively common cause of aberrant splicing (PMID: 17576681, 9536098). Algorithms developed to predict the effect of sequence changes on RNA splicing suggest that this variant may disrupt the consensus splice site. In summary, the available evidence is currently insufficient to determine the role of this variant in disease. Therefore, it has been classified as a Variant of Uncertain Significance.

Literature cited by the submitters: PubMed 17576681; PubMed 9536098.

NM_015999.6(ADIPOR1):c.431-3C>T

Gene: ADIPOR1 (adiponectin receptor 1; minus strand). Cytogenetic location: 1q32.1.
Variant type: single nucleotide variant.
Coding change: c.431-3C>T on transcript NM_015999.6 (MANE Select); 3 bases into the intron before coding-DNA position 431, C replaced by T.
Molecular consequence: intron variant.
Genome position (GRCh38, 1-based): chr1:202,945,172, G>A on the plus strand (C>T on the coding strand, the complement: ADIPOR1 is on the minus strand). VCF-style: chr1-202945172-G-A. GRCh37 (hg19) VCF-style: chr1-202914300-G-A.
Other names: c.431-3C>T (NM_001290629.1, NM_001290557.1, NM_001290553.2).
Identifiers: ClinVar variation 1386020 (VCV001386020.6), dbSNP rs2102484087, ClinGen allele CA2573131467.